The following is an entry in ClinVar:

NM_001009944.3(PKD1):c.7244T>G (p.Leu2415Arg)

Gene: PKD1 (polycystin 1, transient receptor potential channel interacting; minus strand). Cytogenetic location: 16p13.3.
Variant type: single nucleotide variant.
Coding change: c.7244T>G on transcript NM_001009944.3 (MANE Select); coding-DNA position 7244, T replaced by G.
Protein change: p.Leu2415Arg; replaces leucine 2415 with arginine.
Molecular consequence: missense variant.
Genome position (GRCh38, 1-based): chr16:2,106,643, A>C on the plus strand (T>G on the coding strand, the complement: PKD1 is on the minus strand). VCF-style: chr16-2106643-A-C. GRCh37 (hg19) VCF-style: chr16-2156644-A-C.
Other names: c.7244T>G, p.Leu2415Arg (NM_000296.4); short protein forms L2415R.
Identifiers: ClinVar variation 3900716 (VCV003900716.1).

ClinVar aggregate classification (germline): Uncertain significance (1 of 4 stars; one submission).

Conditions:
Polycystic kidney disease, adult type (PKD1). Also called: Polycystic Kidney Disease 1, Autosomal Dominant; Polycystic kidney disease 1; Polycystic kidney disease 1, severe; Polycystic Kidney, Autosomal Dominant; POLYCYSTIC KIDNEY DISEASE 1 WITH OR WITHOUT POLYCYSTIC LIVER DISEASE; POLYCYSTIC KIDNEY DISEASE, ADULT, TYPE I. Identifiers: MedGen C3149841, MONDO:0008263, OMIM 173900.

Submission:

MVZ Medizinische Genetik Mainz
Classification: Uncertain significance for Polycystic kidney disease, adult type. Last evaluated: 2025-05-12. Review status: criteria provided, single submitter. Criteria: UK Practice Guidelines For Variant Classification V4 01 2020. Collection method: clinical testing. Allele origin: germline. Inheritance: Autosomal dominant inheritance. Affected: yes. Observed: 1 variant allele.
Comment: ACMG Criteria: PP3_MOD,PM2_SUP,PM5_SUP,PP4